The following is an entry in ClinVar:

ClinVar aggregate classification (germline): Pathogenic (1 of 4 stars; one submission).

Conditions:
Familial thoracic aortic aneurysm and aortic dissection (TAAD). Also called: Thoracic aortic aneurysms and dissections. Identifiers: Orphanet 91387, MedGen C4707243, MONDO:0019625.

Submission:

Ambry Genetics
Classification: Pathogenic for Familial thoracic aortic aneurysm and aortic dissection. Last evaluated: 2017-12-28. Review status: criteria provided, single submitter. Criteria: Ambry Variant Classification Scheme 2023. Collection method: clinical testing. Allele origin: germline.
Comment: The p.C1374* pathogenic mutation (also known as c.4122C>A), located in coding exon 33 of the FBN1 gene, results from a C to A substitution at nucleotide position 4122. This changes the amino acid from a cysteine to a stop codon within coding exon 33. This alteration is expected to result in loss of function by premature protein truncation or nonsense-mediated mRNA decay. As such, this alteration is interpreted as a disease-causing mutation.

NM_000138.5(FBN1):c.4122C>A (p.Cys1374Ter)

Gene: FBN1 (fibrillin 1; minus strand). Cytogenetic location: 15q21.1.
Variant type: single nucleotide variant.
Coding change: c.4122C>A on transcript NM_000138.5 (MANE Select); coding-DNA position 4122, C replaced by A.
Protein change: p.Cys1374Ter; replaces cysteine 1374 with a stop codon.
Molecular consequence: nonsense.
Genome position (GRCh38, 1-based): chr15:48,474,343, G>T on the plus strand (C>A on the coding strand, the complement: FBN1 is on the minus strand). VCF-style: chr15-48474343-G-T. GRCh37 (hg19) VCF-style: chr15-48766540-G-T.
Other names: c.4122C>A, p.Cys1374Ter (NM_001406716.1); short protein forms C1374*.
Identifiers: ClinVar variation 1738031 (VCV001738031.2), dbSNP rs113034291, ClinGen allele CA269520419.